The following is an entry in ClinVar:

ClinVar aggregate classification (germline): Pathogenic (1 of 4 stars; one submission).

Conditions:
Deficiency of galactokinase. Also called: Galactokinase deficiency with cataracts; GALACTOSEMIA II. Identifiers: Orphanet 352, Orphanet 79237, MedGen C0268155, MONDO:0009255, OMIM 230200.

Submission:

Labcorp Genetics (formerly Invitae), Labcorp
Classification: Pathogenic for Deficiency of galactokinase. Last evaluated: 2023-02-28. Review status: criteria provided, single submitter. Criteria: Invitae Variant Classification Sherloc (09022015). Collection method: clinical testing. Allele origin: germline.
Comment: For these reasons, this variant has been classified as Pathogenic. This variant disrupts a region of the GALK1 protein in which other variant(s) (p.Pro28Thr) have been determined to be pathogenic (PMID: 10521295, 10790206, 11978883, 11978884, 12647253; 21290184).). This suggests that this is a clinically significant region of the protein, and that variants that disrupt it are likely to be disease-causing. Disruption of the initiator codon has been observed in individual(s) with galactokinase deficiency (PMID: 10790206, 28429145). This variant is not present in population databases (gnomAD no frequency). This sequence change affects the initiator methionine of the GALK1 mRNA. The next in-frame methionine is located at codon 55.

Literature cited by the submitters: PubMed 10521295; PubMed 10790206; PubMed 11978883; PubMed 11978884; PubMed 12647253; PubMed 21290184; PubMed 28429145.

NM_000154.2(GALK1):c.1A>T (p.Met1Leu)

Gene: GALK1 (galactokinase 1; minus strand). Cytogenetic location: 17q25.1.
Variant type: single nucleotide variant.
Coding change: c.1A>T on transcript NM_000154.2 (MANE Select); coding-DNA position 1, A replaced by T.
Protein change: p.Met1Leu; changes the start codon (methionine 1).
Molecular consequence: missense variant, initiator codon variant.
Genome position (GRCh38, 1-based): chr17:75,765,136, T>A on the plus strand (A>T on the coding strand, the complement: GALK1 is on the minus strand). VCF-style: chr17-75765136-T-A. GRCh37 (hg19) VCF-style: chr17-73761217-T-A.
Other names: c.1A>T, p.Met1Leu (NM_001381985.1); short protein forms M1L.
Identifiers: ClinVar variation 2841555 (VCV002841555.3), dbSNP rs1311294794, ClinGen allele CA401110682.